The following is an entry in ClinVar:

NM_001291303.3(FAT4):c.12532A>T (p.Thr4178Ser)

Gene: FAT4 (FAT atypical cadherin 4; plus strand). Cytogenetic location: 4q28.1.
Variant type: single nucleotide variant.
Coding change: c.12532A>T on transcript NM_001291303.3 (MANE Select); coding-DNA position 12532, A replaced by T.
Protein change: p.Thr4178Ser; replaces threonine 4178 with serine.
Molecular consequence: missense variant.
Genome position (GRCh38, 1-based): chr4:125,479,793, A>T. VCF-style: chr4-125479793-A-T. GRCh37 (hg19) VCF-style: chr4-126400948-A-T.
Other names: c.12532A>T, p.Thr4178Ser (NM_001291285.3); c.12526A>T, p.Thr4176Ser (NM_024582.6); short protein forms T4176S, T4178S.
Identifiers: ClinVar variation 2837374 (VCV002837374.3), dbSNP rs1462388480, ClinGen allele CA358132212.

ClinVar aggregate classification (germline): Uncertain significance (1 of 4 stars; one submission).

Allele frequency attached by ClinVar (database versions not stated): gnomAD exomes below 0.00001.
gnomAD v4.1: 2 of 1,606,340 alleles (0.00012%); highest among the groups gnomAD compares: Admixed American, 0.0033%; no homozygotes.

Submission:

Labcorp Genetics (formerly Invitae), Labcorp
Classification: Uncertain significance. Last evaluated: 2023-02-14. Review status: criteria provided, single submitter. Criteria: Invitae Variant Classification Sherloc (09022015). Collection method: clinical testing. Allele origin: germline.
Comment: Advanced modeling of protein sequence and biophysical properties (such as structural, functional, and spatial information, amino acid conservation, physicochemical variation, residue mobility, and thermodynamic stability) performed at Invitae indicates that this missense variant is not expected to disrupt FAT4 protein function. In summary, the available evidence is currently insufficient to determine the role of this variant in disease. Therefore, it has been classified as a Variant of Uncertain Significance. This variant has not been reported in the literature in individuals affected with FAT4-related conditions. This variant is present in population databases (no rsID available, gnomAD 0.003%). This sequence change replaces threonine, which is neutral and polar, with serine, which is neutral and polar, at codon 4176 of the FAT4 protein (p.Thr4176Ser).